The following is an entry in ClinVar:

ClinVar aggregate classification (germline): Uncertain significance. Review status: criteria provided, multiple submitters, no conflicts (2 of 4 stars). 4 submissions from 4 submitters: Uncertain significance (4). Last evaluated 2025-08-06.

Conditions:
Arterial calcification, generalized, of infancy, 1 (GACI1). Also called: Idiopathic Infantile Arterial Calcification. Identifiers: Orphanet 51608, MedGen C4551985, MONDO:0008817, OMIM 208000.
Hypophosphatemic rickets, autosomal recessive, 2 (ARHR2). Identifiers: Orphanet 289176, MedGen C2750078, MONDO:0013219, OMIM 613312.
Type 2 diabetes mellitus. Also called: Type II diabetes mellitus. Identifiers: MedGen C0011860, MeSH D003924, MONDO:0005148, OMIM 125853, HP:0005978.
Hypopigmentation-punctate palmoplantar keratoderma syndrome. Also called: GUTTATE HYPOPIGMENTATION AND PUNCTATE PALMOPLANTAR KERATODERMA WITH OR WITHOUT ECTOPIC CALCIFICATION; Cole disease. Identifiers: Orphanet 324561, MedGen C3809781, MONDO:0014227, OMIM 615522.
Inherited obesity. Also called: Monogenic Obesity. Identifiers: Orphanet 77828, MedGen C4054476, MONDO:0019182, OMIM 601665.
ENPP1-related disorder. Also called: ENPP1-related condition; ENPP1-related disorders.

Allele frequency attached by ClinVar (database versions not stated): ExAC 0.00002; gnomAD 0.00004; TOPMed 0.00005.
gnomAD v4.1: 80 of 1,613,742 alleles (0.005%); highest among the groups gnomAD compares: Non-Finnish European, 0.0064%; no homozygotes.

Submissions (4):

PreventionGenetics, part of Exact Sciences
Classification: Uncertain significance for ENPP1-related condition. Last evaluated: 2025-08-06. Review status: criteria provided, single submitter. Criteria: ACMG Guidelines, 2015. Collection method: clinical testing. Allele origin: germline.
Comment: The ENPP1 c.2416C>T variant is predicted to result in the amino acid substitution p.Arg806Cys. To our knowledge, this variant has not been reported in the literature. This variant is reported in 0.0079% of alleles in individuals of European (Non-Finnish) descent in gnomAD. At this time, the clinical significance of this variant is uncertain due to the absence of conclusive functional and genetic evidence.

Labcorp Genetics (formerly Invitae), Labcorp
Classification: Uncertain significance. Last evaluated: 2025-05-15. Review status: criteria provided, single submitter. Criteria: Invitae Variant Classification Sherloc (09022015). Collection method: clinical testing. Allele origin: germline.
Comment: This sequence change replaces arginine, which is basic and polar, with cysteine, which is neutral and slightly polar, at codon 806 of the ENPP1 protein (p.Arg806Cys). This variant is present in population databases (rs770659674, gnomAD 0.008%). This variant has not been reported in the literature in individuals affected with ENPP1-related conditions. ClinVar contains an entry for this variant (Variation ID: 2441225). Invitae Evidence Modeling of protein sequence and biophysical properties (such as structural, functional, and spatial information, amino acid conservation, physicochemical variation, residue mobility, and thermodynamic stability) indicates that this missense variant is not expected to disrupt ENPP1 protein function with a negative predictive value of 80%. In summary, the available evidence is currently insufficient to determine the role of this variant in disease. Therefore, it has been classified as a Variant of Uncertain Significance.

Fulgent Genetics
Classification: Uncertain significance for Type 2 diabetes mellitus; Arterial calcification, generalized, of infancy, 1; Inherited obesity; Hypophosphatemic rickets, autosomal recessive, 2; Hypopigmentation-punctate palmoplantar keratoderma syndrome. Last evaluated: 2024-01-05. Review status: criteria provided, single submitter. Criteria: ACMG Guidelines, 2015. Collection method: clinical testing. Allele origin: germline.

Revvity Omics, Revvity
Classification: Uncertain significance. Last evaluated: 2022-08-17. Review status: criteria provided, single submitter. Criteria: ACMG Guidelines, 2015. Collection method: clinical testing. Allele origin: germline.

NM_006208.3(ENPP1):c.2416C>T (p.Arg806Cys)

Gene: ENPP1 (ectonucleotide pyrophosphatase/phosphodiesterase 1; plus strand). Cytogenetic location: 6q23.2.
Variant type: single nucleotide variant.
Coding change: c.2416C>T on transcript NM_006208.3 (MANE Select); coding-DNA position 2416, C replaced by T.
Protein change: p.Arg806Cys; replaces arginine 806 with cysteine.
Molecular consequence: missense variant.
Genome position (GRCh38, 1-based): chr6:131,885,035, C>T. VCF-style: chr6-131885035-C-T. GRCh37 (hg19) VCF-style: chr6-132206175-C-T.
Other names: c.2416C>T (NM_006208.2); short protein forms R806C.
Identifiers: ClinVar variation 2441225 (VCV002441225.8), dbSNP rs770659674, ClinGen allele CA4002519.
Genomic context (GRCh38, chr6:131,885,035, plus strand): 5'-GAAGAAAGAAATGGTGTCAATGTCGTCAGTGGTCCTGTGTTTGACTTTGATTATGATGGA[C>T]GTTGTGATTCCTTAGAGAATCTGAGGCAGTAAGAACATATTTCATTACTCTTAAAAATAG-3'
Protein context (NP_006199.2, residues 796-816): GPVFDFDYDG[Arg806Cys]CDSLENLRQK